The following is an entry in ClinVar:

NM_001264.5(CDSN):c.669C>T (p.Pro223=)

Genes: CDSN (corneodesmosin; minus strand), PSORS1C1 (psoriasis susceptibility 1 candidate 1; plus strand). Cytogenetic location: 6p21.33.
Variant type: single nucleotide variant.
Coding change: c.669C>T on transcript NM_001264.5 (MANE Select); coding-DNA position 669, C replaced by T.
Protein change: p.Pro223=; no amino-acid change (proline 223 retained).
Molecular consequence: synonymous variant. On other transcripts: intron variant (1).
Genome position (GRCh38, 1-based): chr6:31,116,946, G>A on the plus strand (C>T on the coding strand, the complement: CDSN is on the minus strand). VCF-style: chr6-31116946-G-A. GRCh37 (hg19) VCF-style: chr6-31084723-G-A.
Other names: c.-229+2055G>A (NM_014068.3).
Identifiers: ClinVar variation 2051005 (VCV002051005.25), dbSNP rs117764398, ClinGen allele CA3708451.

ClinVar aggregate classification (germline): Benign. Review status: criteria provided, multiple submitters, no conflicts (2 of 4 stars). 3 submissions from 3 submitters: Benign (2). 1 of the submissions does not count toward it. Last evaluated 2025-08-07.

Conditions:
CDSN-related disorder. Also called: CDSN-related condition.

Allele frequency attached by ClinVar (database versions not stated): ESP Exome Variant Server 0.00069; TOPMed 0.00081; gnomAD 0.00085; ExAC 0.00130; 1000 Genomes Project 30x 0.00328; 1000 Genomes Project 0.00379.
gnomAD v4.1: 2,589 of 1,614,168 alleles (0.16%); highest among the groups gnomAD compares: East Asian, 4.1%; 75 homozygotes.

Submissions (3):

Labcorp Genetics (formerly Invitae), Labcorp
Classification: Benign. Last evaluated: 2025-08-07. Review status: criteria provided, single submitter. Criteria: Invitae Variant Classification Sherloc (09022015). Collection method: clinical testing. Allele origin: germline.

CeGaT Center for Human Genetics Tuebingen
Classification: Benign. Last evaluated: 2024-04-01. Review status: criteria provided, single submitter. Criteria: CeGaT Center For Human Genetics Tuebingen Variant Classification Criteria Version 2. Collection method: clinical testing. Allele origin: germline. Affected: yes. Observed: 1 variant allele.
Comment: CDSN: BP4, BP7, BS1, BS2

PreventionGenetics, part of Exact Sciences
Classification: Benign for CDSN-related condition. Last evaluated: 2023-12-11. Review status: no assertion criteria provided. Collection method: clinical testing. Allele origin: germline. Not counted in ClinVar's aggregate classification.
Comment: This variant is classified as benign based on ACMG/AMP sequence variant interpretation guidelines (Richards et al. 2015 PMID: 25741868, with internal and published modifications).